The following is an entry in ClinVar:

ClinVar aggregate classification (germline): Benign. Review status: criteria provided, multiple submitters, no conflicts (2 of 4 stars). 5 submissions from 5 submitters: Benign (4). 1 of the submissions does not count toward it. Last evaluated 2026-02-04.

Conditions:
HAND1-related disorder. Also called: HAND1-related condition.
Hypoplastic left heart syndrome. Also called: Hypoplastic left ventricle; Hypoplastic left heart. Identifiers: Orphanet 2248, MedGen C0152101, MONDO:0004933, HP:0004383.

Allele frequency attached by ClinVar (database versions not stated): 1000 Genomes Project 0.02756; 1000 Genomes Project 30x 0.02826; TOPMed 0.03858; ESP Exome Variant Server 0.04167; gnomAD 0.04339 and 0.04411; ExAC 0.04479; gnomAD exomes 0.04648.
gnomAD v4.1: 88,362 of 1,613,830 alleles (5.5%); highest among the groups gnomAD compares: Non-Finnish European, 6.2%; 2,753 homozygotes.

Submissions (5):

Labcorp Genetics (formerly Invitae), Labcorp
Classification: Benign for Hypoplastic left heart syndrome. Last evaluated: 2026-02-04. Review status: criteria provided, single submitter. Criteria: Invitae Variant Classification Sherloc (09022015). Collection method: clinical testing. Allele origin: germline.

Blueprint Genetics
Classification: Benign. Last evaluated: 2024-11-26. Review status: criteria provided, single submitter. Criteria: ACMG Guidelines, 2015. Collection method: clinical testing. Allele origin: germline.

Women's Health and Genetics/Laboratory Corporation of America, LabCorp
Classification: Benign. Last evaluated: 2023-10-09. Review status: criteria provided, single submitter. Criteria: LabCorp Variant Classification Summary - May 2015. Collection method: clinical testing. Allele origin: germline.

GeneDx
Classification: Benign. Last evaluated: 2021-05-04. Review status: criteria provided, single submitter. Criteria: GeneDx Variant Classification Process June 2021. Collection method: clinical testing. Allele origin: germline. Affected: yes.

PreventionGenetics, part of Exact Sciences
Classification: Benign for HAND1-related condition. Last evaluated: 2019-07-26. Review status: no assertion criteria provided. Collection method: clinical testing. Allele origin: germline. Not counted in ClinVar's aggregate classification.
Comment: This variant is classified as benign based on ACMG/AMP sequence variant interpretation guidelines (Richards et al. 2015 PMID: 25741868, with internal and published modifications).

NM_004821.3(HAND1):c.531G>C (p.Arg177=)

Gene: HAND1 (heart and neural crest derivatives expressed 1; minus strand). Cytogenetic location: 5q33.2.
Variant type: single nucleotide variant.
Coding change: c.531G>C on transcript NM_004821.3 (MANE Select); coding-DNA position 531, G replaced by C.
Protein change: p.Arg177=; no amino-acid change (arginine 177 retained).
Molecular consequence: synonymous variant.
Genome position (GRCh38, 1-based): chr5:154,477,478, C>G on the plus strand (G>C on the coding strand, the complement: HAND1 is on the minus strand). VCF-style: chr5-154477478-C-G. GRCh37 (hg19) VCF-style: chr5-153857038-C-G.
Identifiers: ClinVar variation 413857 (VCV000413857.16), dbSNP rs34198899, ClinGen allele CA3526543.